The following is an entry in ClinVar:

ClinVar aggregate classification (germline): Conflicting classifications of pathogenicity. Review status: criteria provided, conflicting classifications (1 of 4 stars). 3 submissions from 3 submitters: Uncertain significance (1); Likely benign (1). 1 of the submissions does not count toward it. Last evaluated 2023-10-23.

Conditions:
CREBBP-related disorder. Also called: CREBBP-related condition; CREBBP-related disorders.
Rubinstein-Taybi syndrome (RSTS). Identifiers: Orphanet 783, MedGen C0035934, MONDO:0019188.

Allele frequency attached by ClinVar (database versions not stated): TOPMed 0.00001.
gnomAD v4.1: 19 of 1,599,842 alleles (0.0012%); highest among the groups gnomAD compares: Non-Finnish European, 0.0016%; no homozygotes.

Submissions (3):

Labcorp Genetics (formerly Invitae), Labcorp
Classification: Likely benign for Rubinstein-Taybi syndrome. Last evaluated: 2023-10-23. Review status: criteria provided, single submitter. Criteria: Invitae Variant Classification Sherloc (09022015). Collection method: clinical testing. Allele origin: germline.

GeneDx
Classification: Uncertain significance. Last evaluated: 2022-02-18. Review status: criteria provided, single submitter. Criteria: GeneDx Variant Classification Process June 2021. Collection method: clinical testing. Allele origin: germline. Affected: yes.
Comment: Not observed at significant frequency in large population cohorts (gnomAD); In silico analysis supports that this variant does not alter splicing; Has not been previously published as pathogenic or benign to our knowledge

PreventionGenetics, part of Exact Sciences
Classification: Likely benign for CREBBP-related condition. Last evaluated: 2022-12-22. Review status: no assertion criteria provided. Collection method: clinical testing. Allele origin: germline. Not counted in ClinVar's aggregate classification.
Comment: This variant is classified as likely benign based on ACMG/AMP sequence variant interpretation guidelines (Richards et al. 2015 PMID: 25741868, with internal and published modifications).

NM_004380.3(CREBBP):c.1217-7G>A

Gene: CREBBP (CREB binding lysine acetyltransferase; minus strand). Cytogenetic location: 16p13.3.
Variant type: single nucleotide variant.
Coding change: c.1217-7G>A on transcript NM_004380.3 (MANE Select); 7 bases into the intron before coding-DNA position 1217, G replaced by A.
Molecular consequence: intron variant.
Genome position (GRCh38, 1-based): chr16:3,792,101, C>T on the plus strand (G>A on the coding strand, the complement: CREBBP is on the minus strand). VCF-style: chr16-3792101-C-T. GRCh37 (hg19) VCF-style: chr16-3842102-C-T.
Other names: c.1217-7G>A (NM_004380.2); c.1216+1285G>A (NM_001079846.1).
Identifiers: ClinVar variation 1702601 (VCV001702601.9), dbSNP rs2053519519, ClinGen allele CA2202953734.